The following is an entry in ClinVar:

NM_016169.4(SUFU):c.985C>T (p.Pro329Ser)

Gene: SUFU (SUFU negative regulator of hedgehog signaling; plus strand). Cytogenetic location: 10q24.32.
Variant type: single nucleotide variant.
Coding change: c.985C>T on transcript NM_016169.4 (MANE Select); coding-DNA position 985, C replaced by T.
Protein change: p.Pro329Ser; replaces proline 329 with serine.
Molecular consequence: missense variant.
Genome position (GRCh38, 1-based): chr10:102,599,507, C>T. VCF-style: chr10-102599507-C-T. GRCh37 (hg19) VCF-style: chr10-104359264-C-T.
Other names: c.985C>T, p.Pro329Ser (NM_001178133.2); short protein forms P329S.
Identifiers: ClinVar variation 2138610 (VCV002138610.6), dbSNP rs2063496120, ClinGen allele CA377911144.
Genomic context (GRCh38, chr10:102,599,507, plus strand): 5'-CGGGAGACCCTGAGGAGAGGACTCGAGATCAACAGCAAACCTGTCCTTCCACCAATCAAC[C>T]CTCAGCGGCAGAATGGCCTCGCCCACGACCGGGCCCCGTAAGTTCCCCAGTGTCCCTGGG-3'
Protein context (NP_057253.2, residues 319-339): NSKPVLPPIN[Pro329Ser]QRQNGLAHDR

ClinVar aggregate classification (germline): Uncertain significance. Review status: criteria provided, multiple submitters, no conflicts (2 of 4 stars). 3 submissions from 3 submitters: Uncertain significance (3). Last evaluated 2025-11-18.

Conditions:
Hereditary cancer-predisposing syndrome. Also called: Tumor predisposition; Hereditary Cancer Syndrome; Hereditary neoplastic syndrome; Neoplastic Syndromes, Hereditary. Identifiers: Orphanet 140162, MedGen C0027672, MeSH D009386, MONDO:0015356.
Gorlin syndrome. Also called: Basal cell nevus syndrome; Nevoid Basal Cell Carcinoma Syndrome. Identifiers: Orphanet 377, MedGen C0004779, MONDO:0007187.
Medulloblastoma (MDB). Also called: Medulloblastoma, somatic; MEDULLOBLASTOMA PREDISPOSITION SYNDROME. Identifiers: Orphanet 616, MedGen C0025149, MeSH D008527, MONDO:0007959, OMIM 155255, HP:0002885.

Allele frequency attached by ClinVar (database versions not stated): TOPMed 0.00001.
gnomAD v4.1: 2 of 1,614,190 alleles (0.00012%); highest among the groups gnomAD compares: Non-Finnish European, 0.00017%; no homozygotes.

Submissions (3):

Labcorp Genetics (formerly Invitae), Labcorp
Classification: Uncertain significance for Gorlin syndrome; Medulloblastoma. Last evaluated: 2025-11-18. Review status: criteria provided, single submitter. Criteria: Invitae Variant Classification Sherloc (09022015). Collection method: clinical testing. Allele origin: germline.
Comment: This sequence change replaces proline, which is neutral and non-polar, with serine, which is neutral and polar, at codon 329 of the SUFU protein (p.Pro329Ser). This variant is not present in population databases (gnomAD no frequency). This variant has not been reported in the literature in individuals affected with SUFU-related conditions. ClinVar contains an entry for this variant (Variation ID: 2138610). Invitae Evidence Modeling of protein sequence and biophysical properties (such as structural, functional, and spatial information, amino acid conservation, physicochemical variation, residue mobility, and thermodynamic stability) indicates that this missense variant is not expected to disrupt SUFU protein function with a negative predictive value of 80%. In summary, the available evidence is currently insufficient to determine the role of this variant in disease. Therefore, it has been classified as a Variant of Uncertain Significance.

Quest Diagnostics Nichols Institute San Juan Capistrano
Classification: Uncertain significance. Last evaluated: 2025-01-08. Review status: criteria provided, single submitter. Criteria: Quest Diagnostics criteria. Collection method: clinical testing. Allele origin: unknown.
Comment: The SUFU c.985C>T (p.Pro329Ser) variant has not been reported in individuals with SUFU-related conditions in the published literature. It also has not been reported in large, multi-ethnic general populations (Genome Aggregation Database). Analysis of this variant using bioinformatics tools for the prediction of the effect of amino acid changes on protein structure and function yielded predictions that this variant is benign. Based on the available information, we are unable to determine the clinical significance of this variant.

Ambry Genetics
Classification: Uncertain significance for Hereditary cancer-predisposing syndrome. Last evaluated: 2023-10-25. Review status: criteria provided, single submitter. Criteria: Ambry Variant Classification Scheme 2023. Collection method: clinical testing. Allele origin: germline.
Comment: The p.P329S variant (also known as c.985C>T), located in coding exon 8 of the SUFU gene, results from a C to T substitution at nucleotide position 985. The proline at codon 329 is replaced by serine, an amino acid with similar properties. This amino acid position is conserved. In addition, this alteration is predicted to be tolerated by in silico analysis. Since supporting evidence is limited at this time, the clinical significance of this alteration remains unclear.